The following is an entry in ClinVar:

ClinVar aggregate classification (germline): Uncertain significance. Review status: criteria provided, multiple submitters, no conflicts (2 of 4 stars). 3 submissions from 3 submitters: Uncertain significance (3). Last evaluated 2026-01-12.

Conditions:
Charcot-Marie-Tooth disease dominant intermediate B (CMTDIB). Also called: Charcot-Marie-Tooth disease dominant intermediate 1; CMT DI1; Charcot-Marie-Tooth disease dominant intermediate I; CHARCOT-MARIE-TOOTH NEUROPATHY, DOMINANT INTERMEDIATE B. Identifiers: Orphanet 100044, Orphanet 228179, MedGen C1847902, MONDO:0011674, OMIM 606482.

Allele frequency attached by ClinVar (database versions not stated): gnomAD 0.00001.

Submissions (3):

Women's Health and Genetics/Laboratory Corporation of America, LabCorp
Classification: Uncertain significance. Last evaluated: 2026-01-12. Review status: criteria provided, single submitter. Criteria: LabCorp Variant Classification Summary - May 2015. Collection method: clinical testing. Allele origin: germline.
Comment: Variant summary: DNM2 c.161+6C>T alters a nucleotide located close to a canonical splice site and therefore could affect mRNA splicing, leading to a significantly altered protein sequence. Consensus agreement among computation tools predict no significant impact on normal splicing. However, these predictions have yet to be confirmed by functional studies. The variant was absent in 145556 control chromosomes. The available data on variant occurrences in the general population are insufficient to allow any conclusion about variant significance. To our knowledge, no occurrence of c.161+6C>T in individuals affected with DNM2-related conditions and no experimental evidence demonstrating its impact on protein function have been reported. ClinVar contains an entry for this variant (Variation ID: 1404112). Based on the evidence outlined above, the variant was classified as uncertain significance.

Labcorp Genetics (formerly Invitae), Labcorp
Classification: Uncertain significance for Charcot-Marie-Tooth disease dominant intermediate B. Last evaluated: 2022-08-09. Review status: criteria provided, single submitter. Criteria: Invitae Variant Classification Sherloc (09022015). Collection method: clinical testing. Allele origin: germline.
Comment: In summary, the available evidence is currently insufficient to determine the role of this variant in disease. Therefore, it has been classified as a Variant of Uncertain Significance. Variants that disrupt the consensus splice site are a relatively common cause of aberrant splicing (PMID: 17576681, 9536098). Algorithms developed to predict the effect of sequence changes on RNA splicing suggest that this variant is not likely to affect RNA splicing. ClinVar contains an entry for this variant (Variation ID: 1404112). This variant has not been reported in the literature in individuals affected with DNM2-related conditions. This variant is not present in population databases (gnomAD no frequency). This sequence change falls in intron 1 of the DNM2 gene. It does not directly change the encoded amino acid sequence of the DNM2 protein. It affects a nucleotide within the consensus splice site.

AiLife Diagnostics
Classification: Uncertain significance. Last evaluated: 2021-06-18. Review status: criteria provided, single submitter. Criteria: ACMG Guidelines, 2015. Collection method: clinical testing. Allele origin: germline. Affected: yes. Observed: 1 variant allele.

Literature cited by the submitters: PubMed 17576681 (cited by Labcorp Genetics (formerly Invitae), Labcorp); PubMed 9536098 (cited by Labcorp Genetics (formerly Invitae), Labcorp).

NM_001005361.3(DNM2):c.161+6C>T

Genes: DNM2 (dynamin 2; plus strand), MIR638 (microRNA 638; plus strand), LOC130063529 (ATAC-STARR-seq lymphoblastoid silent region 10090; plus strand). Cytogenetic location: 19p13.2.
Variant type: single nucleotide variant.
Coding change: c.161+6C>T on transcript NM_001005361.3 (MANE Select); 6 bases into the intron after coding-DNA position 161, C replaced by T.
Molecular consequence: intron variant. On other transcripts: non-coding transcript variant (1).
Genome position (GRCh38, 1-based): chr19:10,718,409, C>T. VCF-style: chr19-10718409-C-T. GRCh37 (hg19) VCF-style: chr19-10829085-C-T.
Other names: c.161+6C>T (NM_001005360.3, NM_001190716.2, NM_004945.4 and 1 more transcripts).
Identifiers: ClinVar variation 1404112 (VCV001404112.8), dbSNP rs2068821980, ClinGen allele CA505483466.